The following is an entry in ClinVar:

ClinVar aggregate classification (germline): Uncertain significance (1 of 4 stars; one submission).

Conditions:
BAP1-related tumor predisposition syndrome (TPDS1). Also called: Tumor susceptibility linked to germline BAP1 mutations; BAP1 tumor predisposition syndrome; TUMOR PREDISPOSITION SYNDROME 1; COMMON Syndrome. Identifiers: Orphanet 289539, MedGen C3280492, MONDO:0013692, OMIM 614327.

Submission:

Labcorp Genetics (formerly Invitae), Labcorp
Classification: Uncertain significance for BAP1-related tumor predisposition syndrome. Last evaluated: 2022-06-24. Review status: criteria provided, single submitter. Criteria: Invitae Variant Classification Sherloc (09022015). Collection method: clinical testing. Allele origin: germline.
Comment: This sequence change replaces proline, which is neutral and non-polar, with leucine, which is neutral and non-polar, at codon 339 of the BAP1 protein (p.Pro339Leu). This variant is not present in population databases (gnomAD no frequency). This variant has not been reported in the literature in individuals affected with BAP1-related conditions. Algorithms developed to predict the effect of missense changes on protein structure and function (SIFT, PolyPhen-2, Align-GVGD) all suggest that this variant is likely to be tolerated. In summary, the available evidence is currently insufficient to determine the role of this variant in disease. Therefore, it has been classified as a Variant of Uncertain Significance.

NM_004656.4(BAP1):c.1016C>T (p.Pro339Leu)

Gene: BAP1 (BRCA1 associated deubiquitinase 1; minus strand). Cytogenetic location: 3p21.1.
Variant type: single nucleotide variant.
Coding change: c.1016C>T on transcript NM_004656.4 (MANE Select); coding-DNA position 1016, C replaced by T.
Protein change: p.Pro339Leu; replaces proline 339 with leucine.
Molecular consequence: missense variant.
Genome position (GRCh38, 1-based): chr3:52,405,210, G>A on the plus strand (C>T on the coding strand, the complement: BAP1 is on the minus strand). VCF-style: chr3-52405210-G-A. GRCh37 (hg19) VCF-style: chr3-52439226-G-A.
Other names: c.962C>T, p.Pro321Leu (NM_001410772.1); short protein forms P321L, P339L.
Identifiers: ClinVar variation 2009125 (VCV002009125.4), dbSNP rs2153227041, ClinGen allele CA353105938.